The following is an entry in ClinVar:

ClinVar aggregate classification (germline): Likely pathogenic. Review status: criteria provided, single submitter (1 of 4 stars). 2 submissions from 2 submitters: Likely pathogenic (1). 1 of the submissions does not count toward it. Last evaluated 2018-10-15.

Conditions:
Deafness, congenital heart defects, and posterior embryotoxon (DCHE). Identifiers: MedGen C1866053, MONDO:0060713, OMIM 617992.

Submissions (2):

SIB Swiss Institute of Bioinformatics
Classification: Likely pathogenic for Deafness, congenital heart defects, and posterior embryotoxon. Last evaluated: 2018-10-15. Review status: criteria provided, single submitter. Criteria: ACMG Guidelines, 2015. Collection method: curation. Allele origin: unknown.
Comment: This variant is interpreted as Likely Pathogenic, for Deafness, congenital heart defects, and posterior embryotoxon, autosomal dominant. The following ACMG Tag(s) were applied: PM2 => Absent from controls (or at extremely low frequency if recessive) in Exome Sequencing Project, 1000 Genomes Project, or Exome Aggregation Consortium. PP1-Moderate => PP1 upgraded in strength to Moderate . PS3 => Well-established functional studies show a deleterious effect (PubMed 20437614). PP3 => Multiple lines of computational evidence support a deleterious effect on the gene or gene product.

OMIM
Classification: Pathogenic for DEAFNESS, CONGENITAL HEART DEFECTS, AND POSTERIOR EMBRYOTOXON (1 family). Last evaluated: 2002-07-01. Review status: no assertion criteria provided. Collection method: literature only. Allele origin: germline. Not counted in ClinVar's aggregate classification.

Literature cited by the submitters: PubMed 20437614 (cited by SIB Swiss Institute of Bioinformatics and OMIM); PubMed 12022040 (cited by OMIM).

NM_000214.3(JAG1):c.701G>A (p.Cys234Tyr)

Gene: JAG1 (jagged canonical Notch ligand 1; minus strand). Cytogenetic location: 20p12.2.
Variant type: single nucleotide variant.
Coding change: c.701G>A on transcript NM_000214.3 (MANE Select); coding-DNA position 701, G replaced by A.
Protein change: p.Cys234Tyr; replaces cysteine 234 with tyrosine.
Molecular consequence: missense variant.
Genome position (GRCh38, 1-based): chr20:10,656,452, C>T on the plus strand (G>A on the coding strand, the complement: JAG1 is on the minus strand). VCF-style: chr20-10656452-C-T. GRCh37 (hg19) VCF-style: chr20-10637100-C-T.
Other names: c.701G>A, p.Cys234Tyr (LRG_1191t1); short protein forms C234Y.
Identifiers: ClinVar variation 7626 (VCV000007626.3), dbSNP rs121918353, ClinGen allele CA118931.